The following is an entry in ClinVar:

ClinVar aggregate classification (germline): Likely pathogenic (1 of 4 stars; one submission).

Submission:

Labcorp Genetics (formerly Invitae), Labcorp
Classification: Likely pathogenic. Last evaluated: 2022-11-17. Review status: criteria provided, single submitter. Criteria: Invitae Variant Classification Sherloc (09022015). Collection method: clinical testing. Allele origin: germline.
Comment: In summary, the currently available evidence indicates that the variant is pathogenic, but additional data are needed to prove that conclusively. Therefore, this variant has been classified as Likely Pathogenic. This variant disrupts the triple helix domain of COL7A1. Glycine residues within the Gly-Xaa-Yaa repeats of the triple helix domain are required for the structure and stability of fibrillar collagens (PMID: 7695699, 8218237, 19344236), and variants at these glycine residues in COL7A1 are more frequently observed in individuals with disease than in the general population (PMID: 22058051). However, the clinical significance of this observation remains uncertain since only a limited number of affected individuals have been described to date. Algorithms developed to predict the effect of missense changes on protein structure and function (SIFT, PolyPhen-2, Align-GVGD) all suggest that this variant is likely to be disruptive. This missense change has been observed in individual(s) with autosomal recessive epidermolysis bullosa dystrophica (Invitae). In at least one individual the data is consistent with being in trans (on the opposite chromosome) from a pathogenic variant. This variant is not present in population databases (gnomAD no frequency). This sequence change replaces glycine, which is neutral and non-polar, with aspartic acid, which is acidic and polar, at codon 2357 of the COL7A1 protein (p.Gly2357Asp).

Literature cited by the submitters: PubMed 7695699; PubMed 8218237; PubMed 19344236; PubMed 22058051.

NM_000094.4(COL7A1):c.7070G>A (p.Gly2357Asp)

Gene: COL7A1 (collagen type VII alpha 1 chain; minus strand). Cytogenetic location: 3p21.31.
Variant type: single nucleotide variant.
Coding change: c.7070G>A on transcript NM_000094.4 (MANE Select); coding-DNA position 7070, G replaced by A.
Protein change: p.Gly2357Asp; replaces glycine 2357 with aspartic acid.
Molecular consequence: missense variant.
Genome position (GRCh38, 1-based): chr3:48,571,277, C>T on the plus strand (G>A on the coding strand, the complement: COL7A1 is on the minus strand). VCF-style: chr3-48571277-C-T. GRCh37 (hg19) VCF-style: chr3-48608710-C-T.
Other names: short protein forms G2357D.
Identifiers: ClinVar variation 2814881 (VCV002814881.3), dbSNP rs2530879272, ClinGen allele CA352651610.